The following is an entry in ClinVar:

ClinVar aggregate classification (germline): Uncertain significance. Review status: criteria provided, multiple submitters, no conflicts (2 of 4 stars). 2 submissions from 2 submitters: Uncertain significance (2). Last evaluated 2024-11-30.

Conditions:
Inborn genetic diseases. Identifiers: MedGen C0950123, MeSH D030342.

gnomAD v4.1: 2 of 1,614,014 alleles (0.00012%); no homozygotes.

Submissions (2):

Ambry Genetics
Classification: Uncertain significance for Inborn genetic diseases. Last evaluated: 2024-11-30. Review status: criteria provided, single submitter. Criteria: Ambry Variant Classification Scheme 2023. Collection method: clinical testing. Allele origin: germline.
Comment: The p.L715F variant (also known as c.2143C>T), located in coding exon 20 of the ANKRD26 gene, results from a C to T substitution at nucleotide position 2143. The leucine at codon 715 is replaced by phenylalanine, an amino acid with highly similar properties. This amino acid position is conserved. In addition, this alteration is predicted to be tolerated by in silico analysis. Based on the available evidence, the clinical significance of this variant remains unclear.

Labcorp Genetics (formerly Invitae), Labcorp
Classification: Uncertain significance. Last evaluated: 2023-05-07. Review status: criteria provided, single submitter. Criteria: Invitae Variant Classification Sherloc (09022015). Collection method: clinical testing. Allele origin: germline.
Comment: In summary, the available evidence is currently insufficient to determine the role of this variant in disease. Therefore, it has been classified as a Variant of Uncertain Significance. An algorithm developed to predict the effect of missense changes on protein structure and function (PolyPhen-2) suggests that this variant is likely to be disruptive. This variant has not been reported in the literature in individuals affected with ANKRD26-related conditions. This variant is not present in population databases (gnomAD no frequency). This sequence change replaces leucine, which is neutral and non-polar, with phenylalanine, which is neutral and non-polar, at codon 715 of the ANKRD26 protein (p.Leu715Phe).

NM_014915.3(ANKRD26):c.2143C>T (p.Leu715Phe)

Gene: ANKRD26 (ankyrin repeat domain 26; minus strand). Cytogenetic location: 10p12.1.
Variant type: single nucleotide variant.
Coding change: c.2143C>T on transcript NM_014915.3 (MANE Select); coding-DNA position 2143, C replaced by T.
Protein change: p.Leu715Phe; replaces leucine 715 with phenylalanine.
Molecular consequence: missense variant.
Genome position (GRCh38, 1-based): chr10:27,043,444, G>A on the plus strand (C>T on the coding strand, the complement: ANKRD26 is on the minus strand). VCF-style: chr10-27043444-G-A. GRCh37 (hg19) VCF-style: chr10-27332373-G-A.
Other names: c.2140C>T, p.Leu714Phe (NM_001256053.2); short protein forms L715F, L714F.
Identifiers: ClinVar variation 2806639 (VCV002806639.4), dbSNP rs2538838863, ClinGen allele CA376368735.